The following is an entry in ClinVar:

NM_032043.3(BRIP1):c.3243C>T (p.Ala1081=)

Gene: BRIP1 (BRCA1 interacting DNA helicase 1; minus strand). Cytogenetic location: 17q23.2.
Variant type: single nucleotide variant.
Coding change: c.3243C>T on transcript NM_032043.3 (MANE Select); coding-DNA position 3243, C replaced by T.
Protein change: p.Ala1081=; no amino-acid change (alanine 1081 retained).
Molecular consequence: synonymous variant.
Genome position (GRCh38, 1-based): chr17:61,683,803, G>A on the plus strand (C>T on the coding strand, the complement: BRIP1 is on the minus strand). VCF-style: chr17-61683803-G-A. GRCh37 (hg19) VCF-style: chr17-59761164-G-A.
Identifiers: ClinVar variation 241653 (VCV000241653.28), dbSNP rs754003636, ClinGen allele CA8690380.

ClinVar aggregate classification (germline): Benign/Likely benign. Review status: criteria provided, multiple submitters, no conflicts (2 of 4 stars). 8 submissions from 8 submitters: Benign (1); Likely benign (6). 1 of the submissions does not count toward it. Last evaluated 2025-11-17.

Conditions:
BRIP1-related disorder. Also called: BRIP1-related condition; BRIP1-related disorders. Identifiers: MedGen CN239206.
Hereditary cancer-predisposing syndrome. Also called: Hereditary Cancer Syndrome; Tumor predisposition; Hereditary neoplastic syndrome; Neoplastic Syndromes, Hereditary. Identifiers: Orphanet 140162, MedGen C0027672, MeSH D009386, MONDO:0015356.
Familial cancer of breast. Also called: Hereditary breast cancer; hereditary breast carcinoma; BREAST CANCER, FAMILIAL. Identifiers: Orphanet 227535, MedGen C0346153, MONDO:0016419, OMIM 114480. Disease mechanism: loss of function.
Fanconi anemia complementation group J. Also called: BRIP1-Related Fanconi Anemia. Identifiers: Orphanet 84, MedGen C1836860, MONDO:0012187, OMIM 609054.
Breast and/or ovarian cancer. Identifiers: MedGen CN221562.

Allele frequency attached by ClinVar (database versions not stated): ExAC 0.00001; gnomAD 0.00001; TOPMed 0.00001; gnomAD exomes 0.00002 and 0.00003.
gnomAD v4.1: 22 of 1,614,030 alleles (0.0014%); highest among the groups gnomAD compares: Non-Finnish European, 0.0018%; no homozygotes.

Submissions (8):

Labcorp Genetics (formerly Invitae), Labcorp
Classification: Likely benign for Familial cancer of breast; Fanconi anemia complementation group J. Last evaluated: 2025-11-17. Review status: criteria provided, single submitter. Criteria: Invitae Variant Classification Sherloc (09022015). Collection method: clinical testing. Allele origin: germline.

Myriad Genetics, Inc.
Classification: Benign for Familial cancer of breast. Last evaluated: 2024-09-10. Review status: criteria provided, single submitter. Criteria: Myriad Autosomal Dominant, Autosomal Recessive and X-Linked Classification Criteria (2023). Collection method: clinical testing. Allele origin: unknown.
Comment: This variant is considered benign. This variant is a silent/synonymous amino acid change and it is not expected to impact splicing.

Blueprint Genetics
Classification: Likely benign. Last evaluated: 2024-07-18. Review status: criteria provided, single submitter. Criteria: ACMG Guidelines, 2015. Collection method: clinical testing. Allele origin: germline.

CHEO Genetics Diagnostic Laboratory, Children's Hospital of Eastern Ontario
Classification: Likely benign for Breast and/or ovarian cancer. Last evaluated: 2022-09-16. Review status: criteria provided, single submitter. Criteria: ACMG Guidelines, 2015. Collection method: clinical testing. Allele origin: germline.

GeneDx
Classification: Likely benign. Last evaluated: 2021-10-25. Review status: criteria provided, single submitter. Criteria: GeneDx Variant Classification Process June 2021. Collection method: clinical testing. Allele origin: germline. Affected: yes.

Color Diagnostics, LLC DBA Color Health
Classification: Likely benign for Hereditary cancer-predisposing syndrome. Last evaluated: 2016-11-01. Review status: criteria provided, single submitter. Criteria: ACMG Guidelines, 2015. Collection method: clinical testing. Allele origin: germline.

Ambry Genetics
Classification: Likely benign for Hereditary cancer-predisposing syndrome. Last evaluated: 2015-09-04. Review status: criteria provided, single submitter. Criteria: Ambry Variant Classification Scheme 2023. Collection method: clinical testing. Allele origin: germline.

PreventionGenetics, part of Exact Sciences
Classification: Likely benign for BRIP1-related condition. Last evaluated: 2024-06-10. Review status: no assertion criteria provided. Collection method: clinical testing. Allele origin: germline. Not counted in ClinVar's aggregate classification.
Comment: This variant is classified as likely benign based on ACMG/AMP sequence variant interpretation guidelines (Richards et al. 2015 PMID: 25741868, with internal and published modifications).